The following is an entry in ClinVar:

ClinVar aggregate classification (germline): Pathogenic (1 of 4 stars; one submission).

Submission:

Labcorp Genetics (formerly Invitae), Labcorp
Classification: Pathogenic. Last evaluated: 2022-09-12. Review status: criteria provided, single submitter. Criteria: Invitae Variant Classification Sherloc (09022015). Collection method: clinical testing. Allele origin: germline.
Comment: This variant has not been reported in the literature in individuals affected with LAMB3-related conditions. For these reasons, this variant has been classified as Pathogenic. ClinVar contains an entry for this variant (Variation ID: 953193). This variant is not present in population databases (gnomAD no frequency). This sequence change creates a premature translational stop signal (p.Gln398Serfs*112) in the LAMB3 gene. It is expected to result in an absent or disrupted protein product. Loss-of-function variants in LAMB3 are known to be pathogenic (PMID: 11023379, 16473856).

Literature cited by the submitters: PubMed 11023379; PubMed 16473856.

NM_000228.3(LAMB3):c.1191del (p.Gln398fs)

Gene: LAMB3 (laminin subunit beta 3; minus strand). Cytogenetic location: 1q32.2.
Variant type: Deletion.
Coding change: c.1191del on transcript NM_000228.3 (MANE Select); coding-DNA position 1191, one base deleted (G; older notation c.1191delG).
Protein change: p.Gln398fs; shifts the reading frame from glutamine 398.
Molecular consequence: frameshift variant.
Genome position (GRCh38, 1-based): chr1:209,628,132, C deleted on the plus strand (G on the coding strand, the reverse complement: LAMB3 is on the minus strand); the first of 3 consecutive C bases (chr1:209,628,132-209,628,134); deleting any one gives the same sequence. VCF-style (leftmost placement, unchanged base first): chr1-209628131-GC-G. GRCh37 (hg19) VCF-style: chr1-209801476-GC-G.
Other names: c.1191del, p.Gln398fs (NM_001017402.2, NM_001127641.1); short protein forms Q398fs.
Identifiers: ClinVar variation 953193 (VCV000953193.7), dbSNP rs1666542456, ClinGen allele CA1139656516.